The following is an entry in ClinVar:

NM_002454.3(MTRR):c.446C>T (p.Ala149Val)

Gene: MTRR (5-methyltetrahydrofolate-homocysteine methyltransferase reductase; plus strand). Cytogenetic location: 5p15.31.
Variant type: single nucleotide variant.
Coding change: c.446C>T on transcript NM_002454.3 (MANE Select); coding-DNA position 446, C replaced by T.
Protein change: p.Ala149Val; replaces alanine 149 with valine.
Molecular consequence: missense variant. On other transcripts: non-coding transcript variant (14).
Genome position (GRCh38, 1-based): chr5:7,877,988, C>T. VCF-style: chr5-7877988-C-T. GRCh37 (hg19) VCF-style: chr5-7878101-C-T.
Other names: c.446C>T, p.Ala149Val (NM_024010.4, NM_001364440.2, NM_001364441.2 and 1 more transcripts); short protein forms A149V.
Identifiers: ClinVar variation 391669 (VCV000391669.22), dbSNP rs142714881, ClinGen allele CA3195607.
Genomic context (GRCh38, chr5:7,877,988, plus strand): 5'-TGTTTTTACTGTCCAGTTTAGAACTTGTGGTTGAGCCGTGGATTGCTGGACTCTGGCCAG[C>T]CCTCAGAAAGCATTTTAGGTCAAGCAGAGGACAAGAGGAGATAAGTGGCGCACTCCCGGT-3'
Protein context (NP_002445.2, residues 139-159): VEPWIAGLWP[Ala149Val]LRKHFRSSRG

ClinVar aggregate classification (germline): Conflicting classifications of pathogenicity. Review status: criteria provided, conflicting classifications (1 of 4 stars). 4 submissions from 4 submitters: Uncertain significance (3); Likely benign (1). Last evaluated 2026-01-14.

Conditions:
Methylcobalamin deficiency type cblE (HMAE). Also called: HOMOCYSTINURIA-MEGALOBLASTIC ANEMIA, cblE COMPLEMENTATION TYPE; HOMOCYSTINURIA-MEGALOBLASTIC ANEMIA, cblE TYPE; VITAMIN B12-RESPONSIVE HOMOCYSTINURIA, cblE TYPE. Identifiers: Orphanet 2169, Orphanet 622, MedGen C1856057, MONDO:0009354, OMIM 236270.

Allele frequency attached by ClinVar (database versions not stated): gnomAD exomes 0.00005 and 0.00017; ExAC 0.00020; ESP Exome Variant Server 0.00038; TOPMed 0.00064; gnomAD 0.00076 and 0.00077; 1000 Genomes Project 0.00160; 1000 Genomes Project 30x 0.00172.
gnomAD v4.1: 200 of 1,613,524 alleles (0.012%); highest among the groups gnomAD compares: African/African-American, 0.17%; no homozygotes.

Submissions (4):

Labcorp Genetics (formerly Invitae), Labcorp
Classification: Likely benign for Methylcobalamin deficiency type cblE. Last evaluated: 2026-01-14. Review status: criteria provided, single submitter. Criteria: Invitae Variant Classification Sherloc (09022015). Collection method: clinical testing. Allele origin: germline.

CeGaT Center for Human Genetics Tuebingen
Classification: Uncertain significance. Last evaluated: 2025-04-01. Review status: criteria provided, single submitter. Criteria: CeGaT Center For Human Genetics Tuebingen Variant Classification Criteria Version 2. Collection method: clinical testing. Allele origin: germline. Affected: yes. Observed: 2 variant alleles.
Comment: MTRR: PM2, BP4

Revvity Omics, Revvity
Classification: Uncertain significance for Methylcobalamin deficiency type cblE. Last evaluated: 2022-04-19. Review status: criteria provided, single submitter. Criteria: ACMG Guidelines, 2015. Collection method: clinical testing. Allele origin: germline.

GeneDx
Classification: Uncertain significance. Last evaluated: 2016-12-22. Review status: criteria provided, single submitter. Criteria: GeneDx Variant Classification (06012015). Collection method: clinical testing. Allele origin: germline. Affected: yes.
Comment: The A149V variant has not been published as a pathogenic variant, nor has it been reported as a benign variant to our knowledge. The A149V variant was not observed with any significant frequency in approximately 6500 individuals of European and African American ancestry in the NHLBI Exome Sequencing Project. The 1000 Genomes Project Consortium reports A149V was observed in 4/226 alleles from individuals of Gambian background. The A149V variant is a conservative amino acid substitution, which is not likely to impact secondary protein structure as these residues share similar properties. This substitution occurs at a position that is conserved across species. In silico analysis predicts this variant is probably damaging to the protein structure/function. In summary, based on the currently available information, it is unclear whether this variant is a pathogenic variant or a rare benign variant.